The following is an entry in ClinVar:

ClinVar aggregate classification (germline): Uncertain significance (1 of 4 stars; one submission).

Conditions:
Chédiak-Higashi syndrome (CHS). Also called: Chediak-Higashi Syndrome. Identifiers: Orphanet 167, MedGen C0007965, MONDO:0008963, OMIM 214500.

Submission:

Labcorp Genetics (formerly Invitae), Labcorp
Classification: Uncertain significance for Chédiak-Higashi syndrome. Last evaluated: 2022-06-04. Review status: criteria provided, single submitter. Criteria: Invitae Variant Classification Sherloc (09022015). Collection method: clinical testing. Allele origin: germline.
Comment: In summary, the available evidence is currently insufficient to determine the role of this variant in disease. Therefore, it has been classified as a Variant of Uncertain Significance. Algorithms developed to predict the effect of missense changes on protein structure and function are either unavailable or do not agree on the potential impact of this missense change (SIFT: "Tolerated"; PolyPhen-2: "Probably Damaging"; Align-GVGD: "Class C0"). This variant has not been reported in the literature in individuals affected with LYST-related conditions. This variant is not present in population databases (gnomAD no frequency). This sequence change replaces glycine, which is neutral and non-polar, with arginine, which is basic and polar, at codon 297 of the LYST protein (p.Gly297Arg).

NM_000081.4(LYST):c.889G>A (p.Gly297Arg)

Gene: LYST (lysosomal trafficking regulator; minus strand). Cytogenetic location: 1q42.3.
Variant type: single nucleotide variant.
Coding change: c.889G>A on transcript NM_000081.4 (MANE Select); coding-DNA position 889, G replaced by A.
Protein change: p.Gly297Arg; replaces glycine 297 with arginine.
Molecular consequence: missense variant.
Genome position (GRCh38, 1-based): chr1:235,809,929, C>T on the plus strand (G>A on the coding strand, the complement: LYST is on the minus strand). VCF-style: chr1-235809929-C-T. GRCh37 (hg19) VCF-style: chr1-235973229-C-T.
Other names: c.889G>A, p.Gly297Arg (NM_001301365.1); short protein forms G297R.
Identifiers: ClinVar variation 2062956 (VCV002062956.4), dbSNP rs2527123755, ClinGen allele CA344963908.